The following is an entry in ClinVar:

NM_001105206.3(LAMA4):c.1544A>T (p.Asp515Val)

Gene: LAMA4 (laminin subunit alpha 4; minus strand). Cytogenetic location: 6q21.
Variant type: single nucleotide variant.
Coding change: c.1544A>T on transcript NM_001105206.3 (MANE Select); coding-DNA position 1544, A replaced by T.
Protein change: p.Asp515Val; replaces aspartic acid 515 with valine.
Molecular consequence: missense variant.
Genome position (GRCh38, 1-based): chr6:112,172,618, T>A on the plus strand (A>T on the coding strand, the complement: LAMA4 is on the minus strand). VCF-style: chr6-112172618-T-A. GRCh37 (hg19) VCF-style: chr6-112493820-T-A.
Other names: c.1523A>T, p.Asp508Val (NM_001105207.3, NM_002290.5); short protein forms D508V, D515V.
Identifiers: ClinVar variation 2988824 (VCV002988824.3), dbSNP rs781826293, ClinGen allele CA3965758.

ClinVar aggregate classification (germline): Uncertain significance (1 of 4 stars; one submission).

Conditions:
Dilated cardiomyopathy 1JJ (CMD1JJ). Identifiers: Orphanet 154, MedGen C3808935, MONDO:0014095, OMIM 615235.

Allele frequency attached by ClinVar (database versions not stated): ExAC 0.00001.
gnomAD v4.1: 1 of 1,612,766 alleles (0.000062%); highest among the groups gnomAD compares: Non-Finnish European, 0.000085%; no homozygotes.

Submission:

Labcorp Genetics (formerly Invitae), Labcorp
Classification: Uncertain significance for Dilated cardiomyopathy 1JJ. Last evaluated: 2023-03-26. Review status: criteria provided, single submitter. Criteria: Invitae Variant Classification Sherloc (09022015). Collection method: clinical testing. Allele origin: germline.
Comment: This variant is present in population databases (rs781826293, gnomAD 0.0009%). This variant has not been reported in the literature in individuals affected with LAMA4-related conditions. An algorithm developed to predict the effect of missense changes on protein structure and function (PolyPhen-2) suggests that this variant is likely to be tolerated. In summary, the available evidence is currently insufficient to determine the role of this variant in disease. Therefore, it has been classified as a Variant of Uncertain Significance. This sequence change replaces aspartic acid, which is acidic and polar, with valine, which is neutral and non-polar, at codon 508 of the LAMA4 protein (p.Asp508Val).